The following is an entry in ClinVar:

NM_001991.5(EZH1):c.232C>A (p.Pro78Thr)

Gene: EZH1 (enhancer of zeste 1 polycomb repressive complex 2 subunit; minus strand). Cytogenetic location: 17q21.2.
Variant type: single nucleotide variant.
Coding change: c.232C>A on transcript NM_001991.5 (MANE Select); coding-DNA position 232, C replaced by A.
Protein change: p.Pro78Thr; replaces proline 78 with threonine.
Molecular consequence: missense variant. On other transcripts: intron variant (1).
Genome position (GRCh38, 1-based): chr17:42,727,649, G>T on the plus strand (C>A on the coding strand, the complement: EZH1 is on the minus strand). VCF-style: chr17-42727649-G-T. GRCh37 (hg19) VCF-style: chr17-40879667-G-T.
Other names: c.250C>A, p.Pro84Thr (NM_001321079.2); c.232C>A, p.Pro78Thr (NM_001321082.2); c.219+13C>A (NM_001321081.2); short protein forms P78T, P84T.
Identifiers: ClinVar variation 4872170 (VCV004872170.2).
Genomic context (GRCh38, chr17:42,727,649, plus strand): 5'-AAGCCCAAGGAAGAGAGGAAGACTGAGCTTAAACTCCCAAAAGTACCTTTTTGAGAAAAG[G>T]GTGTCCACTCACAGGCTTCATTGACTGAACAGGTTGGACACGAAGCTTCTTCCATTCTTC-3'
Protein context (NP_001982.2, residues 68-88): VQSMKPVSGH[Pro78Thr]FLKKCTIESI

ClinVar aggregate classification (germline): Likely benign (1 of 4 stars; one submission).

gnomAD v4.1: 3,878 of 1,611,940 alleles (0.24%); highest among the groups gnomAD compares: Non-Finnish European, 0.31%; 5 homozygotes.

Submission:

CeGaT Center for Human Genetics Tuebingen
Classification: Likely benign. Last evaluated: 2026-08-01. Review status: criteria provided, single submitter. Criteria: CeGaT Center For Human Genetics Tuebingen Variant Classification Criteria Version 2. Collection method: clinical testing. Allele origin: germline. Affected: yes. Observed: 2 variant alleles.
Comment: EZH1: BS2